The following is an entry in ClinVar:

ClinVar aggregate classification (germline): Conflicting classifications of pathogenicity. Review status: criteria provided, conflicting classifications (1 of 4 stars). 4 submissions from 4 submitters: Uncertain significance (2); Likely benign (2). Last evaluated 2025-12-20.

Allele frequency attached by ClinVar (database versions not stated): gnomAD exomes 0.00006 and 0.00029; TOPMed 0.00012; gnomAD 0.00018 and 0.00019; ExAC 0.00025; 1000 Genomes Project 0.00120; 1000 Genomes Project 30x 0.00125.

Submissions (4):

Labcorp Genetics (formerly Invitae), Labcorp
Classification: Likely benign. Last evaluated: 2025-12-20. Review status: criteria provided, single submitter. Criteria: Invitae Variant Classification Sherloc (09022015). Collection method: clinical testing. Allele origin: germline.

Mayo Clinic Laboratories, Mayo Clinic
Classification: Uncertain significance. Last evaluated: 2025-09-10. Review status: criteria provided, single submitter. Criteria: ACMG Guidelines, 2015. Collection method: clinical testing. Allele origin: germline. Observed: 2 variant alleles.
Comment: BP4_moderate

Athena Diagnostics
Classification: Likely benign. Last evaluated: 2025-05-28. Review status: criteria provided, single submitter. Criteria: Athena Diagnostics Criteria. Collection method: clinical testing. Allele origin: unknown.
Comment: The frequency of this variant in the general population is higher than would generally be expected for pathogenic variants in this gene. Computational tools predict this amino acid change may be benign.

Blueprint Genetics
Classification: Uncertain significance. Last evaluated: 2024-11-25. Review status: criteria provided, single submitter. Criteria: ACMG Guidelines, 2015. Collection method: clinical testing. Allele origin: germline.

NM_020247.5(COQ8A):c.385G>A (p.Gly129Arg)

Gene: COQ8A (coenzyme Q8A; plus strand). Cytogenetic location: 1q42.13.
Variant type: single nucleotide variant.
Coding change: c.385G>A on transcript NM_020247.5 (MANE Select); coding-DNA position 385, G replaced by A.
Protein change: p.Gly129Arg; replaces glycine 129 with arginine.
Molecular consequence: missense variant.
Genome position (GRCh38, 1-based): chr1:226,965,207, G>A. VCF-style: chr1-226965207-G-A. GRCh37 (hg19) VCF-style: chr1-227152908-G-A.
Other names: p.Gly129Arg; short protein forms G129R.
Identifiers: ClinVar variation 214028 (VCV000214028.14), dbSNP rs372953250, ClinGen allele CA324435.